The following is an entry in ClinVar:

NM_000123.4(ERCC5):c.592C>G (p.Pro198Ala)

Genes: BIVM-ERCC5 (BIVM-ERCC5 readthrough; plus strand), ERCC5 (ERCC excision repair 5, endonuclease; plus strand). Cytogenetic location: 13q33.1.
Variant type: single nucleotide variant.
Coding change: c.592C>G on transcript NM_000123.4 (MANE Select); coding-DNA position 592, C replaced by G.
Protein change: p.Pro198Ala; replaces proline 198 with alanine.
Molecular consequence: missense variant.
Genome position (GRCh38, 1-based): chr13:102,858,338, C>G. VCF-style: chr13-102858338-C-G. GRCh37 (hg19) VCF-style: chr13-103510688-C-G.
Other names: c.1954C>G, p.Pro652Ala (NM_001204425.2); short protein forms P198A, P652A.
Identifiers: ClinVar variation 1692197 (VCV001692197.6), dbSNP rs141369732, ClinGen allele CA7041222.

ClinVar aggregate classification (germline): Conflicting classifications of pathogenicity. Review status: criteria provided, conflicting classifications (1 of 4 stars). 4 submissions from 4 submitters: Uncertain significance (2); Likely benign (2). Last evaluated 2026-01-28.

Conditions:
Hereditary cancer-predisposing syndrome. Also called: Neoplastic Syndromes, Hereditary; Hereditary Cancer Syndrome; Tumor predisposition; Hereditary neoplastic syndrome. Identifiers: Orphanet 140162, MedGen C0027672, MeSH D009386, MONDO:0015356.
Cerebrooculofacioskeletal syndrome 3 (COFS3). Identifiers: MedGen C1851443, MONDO:0014696, OMIM 616570.
Xeroderma pigmentosum, group G (XPG). Also called: ERCC5-Related Xeroderma Pigmentosum; XERODERMA PIGMENTOSUM VII; XP, GROUP G; Xeroderma pigmentosum type 7. Identifiers: MedGen C0268141, MONDO:0010216, OMIM 278780.
Inborn genetic diseases. Identifiers: MedGen C0950123, MeSH D030342.

Allele frequency attached by ClinVar (database versions not stated): ESP Exome Variant Server 0.00023.
gnomAD v4.1: 289 of 1,613,966 alleles (0.018%); highest among the groups gnomAD compares: Non-Finnish European, 0.014%; no homozygotes.

Submissions (4):

Labcorp Genetics (formerly Invitae), Labcorp
Classification: Likely benign. Last evaluated: 2026-01-28. Review status: criteria provided, single submitter. Criteria: Invitae Variant Classification Sherloc (09022015). Collection method: clinical testing. Allele origin: germline.

Fulgent Genetics
Classification: Uncertain significance for Xeroderma pigmentosum, group G; Cerebrooculofacioskeletal syndrome 3. Last evaluated: 2024-01-02. Review status: criteria provided, single submitter. Criteria: ACMG Guidelines, 2015. Collection method: clinical testing. Allele origin: germline.

Ambry Genetics
Classification: Likely benign for Inborn genetic diseases. Last evaluated: 2022-05-06. Review status: criteria provided, single submitter. Criteria: Ambry Variant Classification Scheme 2023. Collection method: clinical testing. Allele origin: germline.

Sema4
Classification: Uncertain significance for Hereditary cancer-predisposing syndrome. Last evaluated: 2022-03-20. Review status: criteria provided, single submitter. Criteria: Sema4 Curation Guidelines. Collection method: curation. Allele origin: germline.
Comment: The ERCC5 c.592C>G (p.P198A) variant has been reported in at least one individual with thyroid and breast cancer (PMID: 34130653). It was observed in 38/10360 chromosomes of the Ashkenazi Jewish subpopulation in the large and broad cohorts of the Genome Aggregation Database (PMID: 32461654). The variant has not been reported in ClinVar. In silico tools suggest the impact of the variant on protein function is benign, though these predictions have not been confirmed by functional studies. There is no indication that this variant causes disease, but the evidence is insufficient currently to prove that conclusively. Thus, the clinical significance of this variant is currently uncertain.

Literature cited by the submitters: PubMed 34130653 (cited by Sema4).